The following is an entry in ClinVar:

NM_000222.3(KIT):c.1880-15T>C

Gene: KIT (KIT proto-oncogene, receptor tyrosine kinase; plus strand). Cytogenetic location: 4q12.
Variant type: single nucleotide variant.
Coding change: c.1880-15T>C on transcript NM_000222.3 (MANE Select); 15 bases into the intron before coding-DNA position 1880, T replaced by C.
Molecular consequence: intron variant.
Genome position (GRCh38, 1-based): chr4:54,727,996, T>C. VCF-style: chr4-54727996-T-C. GRCh37 (hg19) VCF-style: chr4-55594162-T-C.
Other names: c.1883-15T>C (NM_001385284.1, NM_001385290.1); c.1871-15T>C (NM_001385288.1, NM_001385292.1); c.1880-15T>C (NM_001385285.1); c.1868-15T>C (NM_001093772.2, NM_001385286.1).
Identifiers: ClinVar variation 1634838 (VCV001634838.9), dbSNP rs2109780994, ClinGen allele CA2573138231.

ClinVar aggregate classification (germline): Likely benign. Review status: criteria provided, multiple submitters, no conflicts (2 of 4 stars). 2 submissions from 2 submitters: Likely benign (2). Last evaluated 2026-05-27.

Conditions:
Gastrointestinal stromal tumor. Also called: Gastrointestinal stromal tumor, somatic; Gastrointestinal stroma tumor. Identifiers: Orphanet 44890, MedGen C0238198, MeSH D046152, MONDO:0011719, OMIM 606764, HP:0100723.

Allele frequency attached by ClinVar (database versions not stated): gnomAD exomes below 0.00001.

Submissions (2):

Myriad Genetics, Inc.
Classification: Likely benign for Gastrointestinal stromal tumor. Last evaluated: 2026-05-27. Review status: criteria provided, single submitter. Criteria: Myriad Autosomal Dominant, Autosomal Recessive and X-Linked Classification Criteria (2023). Collection method: clinical testing. Allele origin: unknown.
Comment: This variant is considered likely benign. This variant is intronic and is not expected to impact mRNA splicing.

Labcorp Genetics (formerly Invitae), Labcorp
Classification: Likely benign for Gastrointestinal stromal tumor. Last evaluated: 2025-02-09. Review status: criteria provided, single submitter. Criteria: Invitae Variant Classification Sherloc (09022015). Collection method: clinical testing. Allele origin: germline.